The following is an entry in ClinVar:

NM_001378183.1(PIEZO2):c.6828-8_6829del

Gene: PIEZO2 (piezo type mechanosensitive ion channel component 2; minus strand). Cytogenetic location: 18p11.22.
Variant type: Deletion.
Coding change: c.6828-8_6829del on transcript NM_001378183.1 (MANE Select); 8 bases into the intron before coding-DNA position 6828 through coding-DNA position 6829, 10 bases deleted (TTTTGCAGGA; older notation c.6828-8_6829delTTTTGCAGGA).
Molecular consequence: splice acceptor variant.
Genome position (GRCh38, 1-based): chr18:10,696,538-10,696,547, TCCTGCAAAA deleted on the plus strand (TTTTGCAGGA on the coding strand, the reverse complement: PIEZO2 is on the minus strand); deleting any 10 consecutive bases within chr18:10,696,538-10,696,548 gives the same sequence; the c. name uses the placement nearest the transcript's 3' end. VCF-style (leftmost placement, unchanged base first): chr18-10696537-GTCCTGCAAAA-G. GRCh37 (hg19) VCF-style: chr18-10696535-GTCCTGCAAAA-G.
Other names: c.6489-8_6490del (NM_022068.4).
Identifiers: ClinVar variation 1320154 (VCV001320154.2), dbSNP rs1567958264, ClinGen allele CA628192659.

ClinVar aggregate classification (germline): Pathogenic (1 of 4 stars; one submission).

Conditions:
Arthrogryposis, distal, with impaired proprioception and touch (DAIPT). Identifiers: MedGen C4310692, MONDO:0014941, OMIM 617146.

Submission:

3billion
Classification: Pathogenic for Arthrogryposis, distal, with impaired proprioception and touch. Last evaluated: 2024-06-27. Review status: criteria provided, single submitter. Criteria: ACMG Guidelines, 2015. Collection method: clinical testing. Allele origin: germline. Affected: yes.
Comment: The variant is observed at an extremely low frequency in the gnomAD v4.0.0 dataset (total allele frequency: <0.001%). Predicted Consequence/Location: Canonical splice site: predicted to alter splicing and result in a loss or disruption of normal protein function. Multiple pathogenic loss-of-function variants are reported downstream of the variant. In silico tools predict the variant to alter splicing and produce an abnormal transcript [SpliceAI: 0.94 (spliceogenicity >=0.2, non-spliceogenicity <0.1)]. The variant has been reported to be in trans with a pathogenic variant as either compound heterozygous or homozygous in at least one similarly affected unrelated individual (3billion dataset). The variant has been reported to be associated with PIEZO2 related disorder (ClinVar ID: VCV001320154 /3billion dataset). Therefore, this variant is classified as Pathogenic according to the recommendation of ACMG/AMP guideline.